The following is an entry in ClinVar:

NM_016616.5(NME8):c.1006C>G (p.Arg336Gly)

Gene: NME8 (NME/NM23 family member 8; plus strand). Cytogenetic location: 7p14.1.
Variant type: single nucleotide variant.
Coding change: c.1006C>G on transcript NM_016616.5 (MANE Select); coding-DNA position 1006, C replaced by G.
Protein change: p.Arg336Gly; replaces arginine 336 with glycine.
Molecular consequence: missense variant.
Genome position (GRCh38, 1-based): chr7:37,884,314, C>G. VCF-style: chr7-37884314-C-G. GRCh37 (hg19) VCF-style: chr7-37923916-C-G.
Other names: short protein forms R336G.
Identifiers: ClinVar variation 4703964 (VCV004703964.1).

ClinVar aggregate classification (germline): Uncertain significance (1 of 4 stars; one submission).

Conditions:
Primary ciliary dyskinesia 6. Also called: Primary Ciliary Dyskinesia 6: TXNDC3-Related Primary Ciliary Dyskinesia. Identifiers: Orphanet 244, MedGen C1970506, MONDO:0012571, OMIM 610852.

Submission:

Labcorp Genetics (formerly Invitae), Labcorp
Classification: Uncertain significance for Primary ciliary dyskinesia 6. Last evaluated: 2025-03-25. Review status: criteria provided, single submitter. Criteria: Invitae Variant Classification Sherloc (09022015). Collection method: clinical testing. Allele origin: germline.
Comment: This sequence change replaces arginine, which is basic and polar, with glycine, which is neutral and non-polar, at codon 336 of the NME8 protein (p.Arg336Gly). This variant is not present in population databases (gnomAD no frequency). This variant has not been reported in the literature in individuals affected with NME8-related conditions. Invitae Evidence Modeling of protein sequence and biophysical properties (such as structural, functional, and spatial information, amino acid conservation, physicochemical variation, residue mobility, and thermodynamic stability) indicates that this missense variant is not expected to disrupt NME8 protein function with a negative predictive value of 80%. In summary, the available evidence is currently insufficient to determine the role of this variant in disease. Therefore, it has been classified as a Variant of Uncertain Significance.